The following is an entry in ClinVar:

ClinVar aggregate classification (germline): Uncertain significance (1 of 4 stars; one submission).

Allele frequency attached by ClinVar (database versions not stated): gnomAD 0.00001; ExAC 0.00002; TOPMed 0.00001; 1000 Genomes Project 30x 0.00016; 1000 Genomes Project 0.00020.
gnomAD v4.1: 13 of 1,612,256 alleles (0.00081%); highest among the groups gnomAD compares: African/African-American, 0.0013%; no homozygotes.

Submission:

GeneDx
Classification: Uncertain significance. Last evaluated: 2024-10-25. Review status: criteria provided, single submitter. Criteria: GeneDx Variant Classification Process June 2021. Collection method: clinical testing. Allele origin: germline. Affected: yes.
Comment: Not observed at significant frequency in large population cohorts (gnomAD); In silico analysis supports that this missense variant has a deleterious effect on protein structure/function; Has not been previously published as pathogenic or benign to our knowledge

NM_001257096.2(PAX1):c.497G>C (p.Gly166Ala)

Gene: PAX1 (paired box 1; plus strand). Cytogenetic location: 20p11.22.
Variant type: single nucleotide variant.
Coding change: c.497G>C on transcript NM_001257096.2 (MANE Select); coding-DNA position 497, G replaced by C.
Protein change: p.Gly166Ala; replaces glycine 166 with alanine.
Molecular consequence: missense variant.
Genome position (GRCh38, 1-based): chr20:21,706,648, G>C. VCF-style: chr20-21706648-G-C. GRCh37 (hg19) VCF-style: chr20-21687286-G-C.
Other names: c.497G>C, p.Gly166Ala (NM_006192.5); short protein forms G166A.
Identifiers: ClinVar variation 1311966 (VCV001311966.3), dbSNP rs540296842, ClinGen allele CA9786504.